The following is an entry in ClinVar:

NM_000384.3(APOB):c.6046G>C (p.Asp2016His)

Gene: APOB (apolipoprotein B; minus strand). Cytogenetic location: 2p24.1.
Variant type: single nucleotide variant.
Coding change: c.6046G>C on transcript NM_000384.3 (MANE Select); coding-DNA position 6046, G replaced by C.
Protein change: p.Asp2016His; replaces aspartic acid 2016 with histidine.
Molecular consequence: missense variant.
Genome position (GRCh38, 1-based): chr2:21,010,822, C>G on the plus strand (G>C on the coding strand, the complement: APOB is on the minus strand). VCF-style: chr2-21010822-C-G. GRCh37 (hg19) VCF-style: chr2-21233694-C-G.
Other names: short protein forms D2016H.
Identifiers: ClinVar variation 4824435 (VCV004824435.1).

ClinVar aggregate classification (germline): Uncertain significance (1 of 4 stars; one submission).

Conditions:
Cardiovascular phenotype. Identifiers: MedGen CN230736.

gnomAD v4.1: 1 of 1,614,102 alleles (0.000062%); highest among the groups gnomAD compares: Non-Finnish European, 0.000085%; no homozygotes.

Submission:

Ambry Genetics
Classification: Uncertain significance for Cardiovascular phenotype. Last evaluated: 2026-02-15. Review status: criteria provided, single submitter. Criteria: Ambry Variant Classification Scheme 2023. Collection method: clinical testing. Allele origin: germline.
Comment: The p.D2016H variant (also known as c.6046G>C), located in coding exon 26 of the APOB gene, results from a G to C substitution at nucleotide position 6046. The aspartic acid at codon 2016 is replaced by histidine, an amino acid with similar properties. This amino acid position is conserved. In addition, this alteration is predicted to be tolerated by in silico analysis. Based on the available evidence, the clinical significance of this variant remains unclear.